The following is an entry in ClinVar:

NM_000718.4(CACNA1B):c.62C>T (p.Ala21Val)

Genes: CACNA1B (calcium voltage-gated channel subunit alpha1 B; plus strand), CACNA1B-AS2 (CACNA1B antisense RNA 2; minus strand). Cytogenetic location: 9q34.3.
Variant type: single nucleotide variant.
Coding change: c.62C>T on transcript NM_000718.4 (MANE Select); coding-DNA position 62, C replaced by T.
Protein change: p.Ala21Val; replaces alanine 21 with valine.
Molecular consequence: missense variant.
Genome position (GRCh38, 1-based): chr9:137,877,995, C>T. VCF-style: chr9-137877995-C-T. GRCh37 (hg19) VCF-style: chr9-140772447-C-T.
Other names: c.62C>T, p.Ala21Val (NM_001243812.2); short protein forms A21V.
Identifiers: ClinVar variation 3730961 (VCV003730961.1).

ClinVar aggregate classification (germline): Uncertain significance (1 of 4 stars; one submission).

Submission:

GeneDx
Classification: Uncertain significance. Last evaluated: 2024-08-13. Review status: criteria provided, single submitter. Criteria: GeneDx Variant Classification Process June 2021. Collection method: clinical testing. Allele origin: germline. Affected: yes.
Comment: Not observed at significant frequency in large population cohorts (gnomAD); In silico analysis indicates that this missense variant does not alter protein structure/function; Has not been previously published as pathogenic or benign to our knowledge